The following is an entry in ClinVar:

ClinVar aggregate classification (germline): Uncertain significance (1 of 4 stars; one submission).

Conditions:
Usher syndrome type 3B. Also called: USHER SYNDROME, TYPE IIIB. Identifiers: MedGen C3281066, MONDO:0013788, OMIM 614504.

Submission:

Labcorp Genetics (formerly Invitae), Labcorp
Classification: Uncertain significance for Usher syndrome type 3B. Last evaluated: 2024-07-12. Review status: criteria provided, single submitter. Criteria: Invitae Variant Classification Sherloc (09022015). Collection method: clinical testing. Allele origin: germline.
Comment: This sequence change creates a premature translational stop signal (p.His87Glnfs*11) in the HARS gene. It is expected to result in an absent or disrupted protein product. However, the current clinical and genetic evidence is not sufficient to establish whether loss-of-function variants in HARS cause disease. This variant is not present in population databases (gnomAD no frequency). This variant has not been reported in the literature in individuals affected with HARS-related conditions. In summary, the available evidence is currently insufficient to determine the role of this variant in disease. Therefore, it has been classified as a Variant of Uncertain Significance.

NM_002109.6(HARS1):c.261_267del (p.His87fs)

Gene: HARS1 (histidyl-tRNA synthetase 1; minus strand). Cytogenetic location: 5q31.3.
Variant type: Deletion.
Coding change: c.261_267del on transcript NM_002109.6 (MANE Select); coding-DNA positions 261 to 267, 7 bases deleted (CGGTGCA; older notation c.261_267delCGGTGCA).
Protein change: p.His87fs; shifts the reading frame from histidine 87.
Molecular consequence: frameshift variant. On other transcripts: intron variant (3).
Genome position (GRCh38, 1-based): chr5:140,683,133-140,683,139, TGCACCG deleted on the plus strand (CGGTGCA on the coding strand, the reverse complement: HARS1 is on the minus strand); deleting any 7 consecutive bases within chr5:140,683,133-140,683,141 gives the same sequence; the c. name uses the placement nearest the transcript's 3' end. VCF-style (leftmost placement, unchanged base first): chr5-140683132-CTGCACCG-C. GRCh37 (hg19) VCF-style: chr5-140062717-CTGCACCG-C.
Other names: c.261_267del, p.His87fs (NM_001258041.3, NM_001289092.2); c.174_180del, p.His58fs (NM_001289094.2); c.181-5124_181-5118del (NM_001289093.2); c.181-3256_181-3250del (NM_001258042.3, NM_001258040.3); short protein forms H87fs, H58fs.
Identifiers: ClinVar variation 3659413 (VCV003659413.2).
Genomic context (GRCh38, chr5:140,683,132, plus strand): 5'-ATGTAGTTTCTTCTTGCCCATTCCTCACCTTTAGTTCAAATACAGGTGTATCAATGACTT[CTGCACCG>C]TGGCGCTTGAAGCAACGGATGATTACGTCAAACACCTTCTCGCGAACTGCCATCTGCCGG-3'